The following is an entry in ClinVar:

NM_005548.3(KARS1):c.1435A>G (p.Lys479Glu)

Genes: KARS1 (lysyl-tRNA synthetase 1; minus strand), LOC126862402 (CDK7 strongly-dependent group 2 enhancer GRCh37_chr16:75663368-75664567; plus strand). Cytogenetic location: 16q23.1.
Variant type: single nucleotide variant.
Coding change: c.1435A>G on transcript NM_005548.3 (MANE Select); coding-DNA position 1435, A replaced by G.
Protein change: p.Lys479Glu; replaces lysine 479 with glutamic acid.
Molecular consequence: missense variant.
Genome position (GRCh38, 1-based): chr16:75,629,531, T>C on the plus strand (A>G on the coding strand, the complement: KARS1 is on the minus strand). VCF-style: chr16-75629531-T-C. GRCh37 (hg19) VCF-style: chr16-75663429-T-C.
Other names: c.1519A>G, p.Lys507Glu (NM_001130089.2); c.967A>G, p.Lys323Glu (NM_001378148.1); short protein forms K323E, K479E, K507E.
Identifiers: ClinVar variation 3359724 (VCV003359724.1).
Genomic context (GRCh38, chr16:75,629,531, plus strand): 5'-ACGCATTGCATATCTCTTTCTTCATGACAAACAGCTCAAAGCGCTCAGTCAGACCCTCTT[T>C]AGAGCGGTGCCTAGGGACAGGAGACCAAAGAGGAGGCTGAATATAGAGGCCCCTAATGAG-3'
Protein context (NP_005539.1, residues 469-489): MSPLAKWHRS[Lys479Glu]EGLTERFELF

ClinVar aggregate classification (germline): Uncertain significance (1 of 4 stars; one submission).

Submission:

GeneDx
Classification: Uncertain significance. Last evaluated: 2023-06-14. Review status: criteria provided, single submitter. Criteria: GeneDx Variant Classification Process June 2021. Collection method: clinical testing. Allele origin: germline. Affected: yes.
Comment: Not observed at significant frequency in large population cohorts (gnomAD); In silico analysis supports that this missense variant does not alter protein structure/function; Has not been previously published as pathogenic or benign to our knowledge